The following is an entry in ClinVar:

NM_000528.4(MAN2B1):c.1933_1935del (p.Asn645del)

Gene: MAN2B1 (mannosidase alpha class 2B member 1; minus strand). Cytogenetic location: 19p13.13.
Variant type: Deletion.
Coding change: c.1933_1935del on transcript NM_000528.4 (MANE Select); coding-DNA positions 1933 to 1935, 3 bases deleted (AAC; older notation c.1933_1935delAAC).
Protein change: p.Asn645del; deletes asparagine 645.
Molecular consequence: inframe deletion.
Genome position (GRCh38, 1-based): chr19:12,652,264-12,652,266, GTT deleted on the plus strand (AAC on the coding strand, the reverse complement: MAN2B1 is on the minus strand); deleting any 3 consecutive bases within chr19:12,652,264-12,652,268 gives the same sequence; the c. name uses the placement nearest the transcript's 3' end. VCF-style (leftmost placement, unchanged base first): chr19-12652263-CGTT-C. GRCh37 (hg19) VCF-style: chr19-12763077-CGTT-C.
Other names: c.1930_1932del, p.Asn644del (NM_001173498.2); short protein forms N644del, N645del.
Identifiers: ClinVar variation 661450 (VCV000661450.8), dbSNP rs1599344435, ClinGen allele CA915952886.

ClinVar aggregate classification (germline): Uncertain significance (1 of 4 stars; one submission).

Conditions:
Deficiency of alpha-mannosidase (MANSA). Also called: Mannosidosis, alpha-, types I and II; LYSOSOMAL ALPHA-D-MANNOSIDASE DEFICIENCY; Alpha-Mannosidosis. Identifiers: Orphanet 61, MedGen C0024748, MONDO:0009561, OMIM 248500.

Submission:

Labcorp Genetics (formerly Invitae), Labcorp
Classification: Uncertain significance for Deficiency of alpha-mannosidase. Last evaluated: 2018-09-18. Review status: criteria provided, single submitter. Criteria: Invitae Variant Classification Sherloc (09022015). Collection method: clinical testing. Allele origin: germline.
Comment: In summary, the available evidence is currently insufficient to determine the role of this variant in disease. Therefore, it has been classified as a Variant of Uncertain Significance. Algorithms developed to predict the effect of sequence changes on RNA splicing suggest that this variant may create or strengthen a splice site, but this prediction has not been confirmed by published transcriptional studies. Experimental studies and prediction algorithms are not available for this variant, and the functional significance of the affected amino acid(s) is currently unknown. This variant, c.1933_1935delAAC, results in the deletion of 1 amino acid(s) of the MAN2B1 protein (p.Asn645del), but otherwise preserves the integrity of the reading frame. This variant is not present in population databases (ExAC no frequency). This variant has not been reported in the literature in individuals with MAN2B1-related disease.